The following is an entry in ClinVar:

NM_000169.3(GLA):c.613C>T (p.Pro205Ser)

Genes: GLA (galactosidase alpha; minus strand), RPL36A-HNRNPH2 (RPL36A-HNRNPH2 readthrough; plus strand). Cytogenetic location: Xq22.1.
Variant type: single nucleotide variant.
Coding change: c.613C>T on transcript NM_000169.3 (MANE Select); coding-DNA position 613, C replaced by T.
Protein change: p.Pro205Ser; replaces proline 205 with serine.
Molecular consequence: missense variant. On other transcripts: non-coding transcript variant (2), intron variant (2).
Genome position (GRCh38, 1-based): chrX:101,400,692, G>A on the plus strand (C>T on the coding strand, the complement: GLA is on the minus strand). VCF-style: chrX-101400692-G-A. GRCh37 (hg19) VCF-style: chrX-100655680-G-A.
Other names: c.736C>T, p.Pro246Ser (NM_001406747.1); c.613C>T, p.Pro205Ser (NM_001406748.1); c.300+5235G>A (NM_001199973.2); c.177+8870G>A (NM_001199974.2); short protein forms P205S, P246S.
Identifiers: ClinVar variation 4087436 (VCV004087436.4).

ClinVar aggregate classification (germline): Pathogenic/Likely pathogenic. Review status: criteria provided, multiple submitters, no conflicts (2 of 4 stars). 3 submissions from 3 submitters: Pathogenic (2); Likely pathogenic (1). Last evaluated 2026-09-08.

Conditions:
Fabry disease. Also called: ALPHA-GALACTOSIDASE A DEFICIENCY; ANDERSON-FABRY DISEASE; CERAMIDE TRIHEXOSIDASE DEFICIENCY; GLA DEFICIENCY; HEREDITARY DYSTOPIC LIPIDOSIS; Angiokeratoma corporis diffusum. Identifiers: Orphanet 324, MedGen C0002986, MONDO:0010526, OMIM 301500, HP:0001071. Disease mechanism: Fabry disease is due to inactivating mutations in the X-linked GLA gene resulting in deficiency of the enzyme Alpha Galactosidase-A., loss of function.
GLA-related disorder. Also called: GLA-related condition.

Submissions (3):

Genomenon, Inc
Classification: Likely pathogenic for Fabry disease. Last evaluated: 2026-09-08. Review status: criteria provided, single submitter. Criteria: Genomenon Sequence Variant Interpretation Standards - Updated. Collection method: curation. Allele origin: germline. Affected: yes.
Comment: GLA p.Pro205Ser (c.613C>T) is a missense variant that changes the amino acid at codon 205 from Proline to Serine. This variant has been observed in at least one proband with clinical features consistent with Fabry disease (PMID:38892211;27560961;29631605;31392112;28682471;35765080;36247762;28728877;40760696;30739116). The variant was found to segregate with disease in at least one affected family (PMID:29631605;36247762). Functional or patient cell studies have been reported (PMID:27560961;34944500;31392112;27657681;28682471;29631605). This variant is located in a mutational hotspot and/or important functional domain. It is absent or not present at a significant frequency in gnomAD. In silico models predict that this variant is possibly or probably damaging. In conclusion, we classify GLA p.Pro205Ser (c.613C>T) as a likely pathogenic variant.

Labcorp Genetics (formerly Invitae), Labcorp
Classification: Pathogenic for Fabry disease. Last evaluated: 2025-11-27. Review status: criteria provided, single submitter. Criteria: Invitae Variant Classification Sherloc (09022015). Collection method: clinical testing. Allele origin: germline.
Comment: This sequence change replaces proline, which is neutral and non-polar, with serine, which is neutral and polar, at codon 205 of the GLA protein (p.Pro205Ser). This variant is not present in population databases (gnomAD no frequency). This missense change has been observed in individual(s) with Fabry disease (PMID: 27560961, 28728877, 32640971). It has also been observed to segregate with disease in related individuals. ClinVar contains an entry for this variant (Variation ID: 4087436). Invitae Evidence Modeling of protein sequence and biophysical properties (such as structural, functional, and spatial information, amino acid conservation, physicochemical variation, residue mobility, and thermodynamic stability) has been performed for this missense variant. However, the output from this modeling did not meet the statistical confidence thresholds required to predict the impact of this variant on GLA protein function. This variant disrupts the p.Pro205 amino acid residue in GLA. Other variant(s) that disrupt this residue have been determined to be pathogenic (PMID: 8875188, 15776423, 18205205, 25611685, 27532257, 32150461). This suggests that this residue is clinically significant, and that variants that disrupt this residue are likely to be disease-causing. For these reasons, this variant has been classified as Pathogenic.

Blueprint Genetics
Classification: Pathogenic for GLA-related disorders. Last evaluated: 2022-12-13. Review status: criteria provided, single submitter. Criteria: ACMG Guidelines, 2015. Collection method: clinical testing. Allele origin: germline. Affected: yes. Observed: 2 variant alleles.

Literature cited by the submitters: PubMed 38892211 (cited by Genomenon, Inc); PubMed 27560961 (cited by Genomenon, Inc and Labcorp Genetics (formerly Invitae), Labcorp); PubMed 29631605 (cited by Genomenon, Inc); PubMed 31392112 (cited by Genomenon, Inc); PubMed 28682471 (cited by Genomenon, Inc); PubMed 35765080 (cited by Genomenon, Inc); PubMed 36247762 (cited by Genomenon, Inc); PubMed 28728877 (cited by Genomenon, Inc and Labcorp Genetics (formerly Invitae), Labcorp); PubMed 40760696 (cited by Genomenon, Inc); PubMed 30739116 (cited by Genomenon, Inc); PubMed 34944500 (cited by Genomenon, Inc); PubMed 27657681 (cited by Genomenon, Inc); PubMed 32640971 (cited by Labcorp Genetics (formerly Invitae), Labcorp); PubMed 8875188 (cited by Labcorp Genetics (formerly Invitae), Labcorp); PubMed 15776423 (cited by Labcorp Genetics (formerly Invitae), Labcorp); PubMed 18205205 (cited by Labcorp Genetics (formerly Invitae), Labcorp); PubMed 25611685 (cited by Labcorp Genetics (formerly Invitae), Labcorp); PubMed 27532257 (cited by Labcorp Genetics (formerly Invitae), Labcorp); PubMed 32150461 (cited by Labcorp Genetics (formerly Invitae), Labcorp).